The following is an entry in ClinVar:

ClinVar aggregate classification (germline): Uncertain significance (1 of 4 stars; one submission).

Submission:

CeGaT Center for Human Genetics Tuebingen
Classification: Uncertain significance. Last evaluated: 2022-07-01. Review status: criteria provided, single submitter. Criteria: CeGaT Center For Human Genetics Tuebingen Variant Classification Criteria Version 2. Collection method: clinical testing. Allele origin: germline. Affected: yes. Observed: 1 variant allele.
Comment: CEP250: PM2:Supporting, BP4

NM_007186.6(CEP250):c.1710G>T (p.Leu570=)

Genes: CEP250 (centrosomal protein 250; plus strand), CEP250-AS1 (CEP250 antisense RNA 1; minus strand). Cytogenetic location: 20q11.22.
Variant type: single nucleotide variant.
Coding change: c.1710G>T on transcript NM_007186.6 (MANE Select); coding-DNA position 1710, G replaced by T.
Protein change: p.Leu570=; no amino-acid change (leucine 570 retained).
Molecular consequence: synonymous variant. On other transcripts: non-coding transcript variant (7), 5 prime UTR variant (1).
Genome position (GRCh38, 1-based): chr20:35,475,640, G>T. VCF-style: chr20-35475640-G-T. GRCh37 (hg19) VCF-style: chr20-34063465-G-T.
Other names: c.-190G>T (NM_001318219.1).
Identifiers: ClinVar variation 2652281 (VCV002652281.24), dbSNP rs2515714391, ClinGen allele CA510317643.